The following is an entry in ClinVar:

NM_004304.5(ALK):c.1277G>C (p.Ser426Thr)

Gene: ALK (ALK receptor tyrosine kinase; minus strand). Cytogenetic location: 2p23.2.
Variant type: single nucleotide variant.
Coding change: c.1277G>C on transcript NM_004304.5 (MANE Select); coding-DNA position 1277, G replaced by C.
Protein change: p.Ser426Thr; replaces serine 426 with threonine.
Molecular consequence: missense variant.
Genome position (GRCh38, 1-based): chr2:29,383,737, C>G on the plus strand (G>C on the coding strand, the complement: ALK is on the minus strand). VCF-style: chr2-29383737-C-G. GRCh37 (hg19) VCF-style: chr2-29606603-C-G.
Other names: short protein forms S426T.
Identifiers: ClinVar variation 412912 (VCV000412912.18), dbSNP rs111796753, ClinGen allele CA1594708.

ClinVar aggregate classification (germline): Benign/Likely benign. Review status: criteria provided, multiple submitters, no conflicts (2 of 4 stars). 6 submissions from 6 submitters: Benign (2); Likely benign (3). 1 of the submissions does not count toward it. Last evaluated 2026-02-04.

Conditions:
ALK-related disorder. Also called: ALK-related condition.
Hereditary cancer-predisposing syndrome. Also called: Neoplastic Syndromes, Hereditary; Tumor predisposition; Hereditary Cancer Syndrome; Hereditary neoplastic syndrome. Identifiers: Orphanet 140162, MedGen C0027672, MeSH D009386, MONDO:0015356.
Neuroblastoma, susceptibility to, 3. Also called: ALK-Related Neuroblastic Tumor Susceptibility. Identifiers: Orphanet 635, MedGen C2751681, MONDO:0013083, OMIM 613014.

Allele frequency attached by ClinVar (database versions not stated): gnomAD exomes 0.00005 and 0.00010; ExAC 0.00016; 1000 Genomes Project 30x 0.00031; 1000 Genomes Project 0.00040; gnomAD 0.00050 and 0.00054; ESP Exome Variant Server 0.00054; TOPMed 0.00063.
gnomAD v4.1: 150 of 1,614,126 alleles (0.0093%); highest among the groups gnomAD compares: African/African-American, 0.18%; no homozygotes.

Submissions (6):

Labcorp Genetics (formerly Invitae), Labcorp
Classification: Likely benign for Neuroblastoma, susceptibility to, 3. Last evaluated: 2026-02-04. Review status: criteria provided, single submitter. Criteria: Invitae Variant Classification Sherloc (09022015). Collection method: clinical testing. Allele origin: germline.

Ambry Genetics
Classification: Benign for Hereditary cancer-predisposing syndrome. Last evaluated: 2024-06-25. Review status: criteria provided, single submitter. Criteria: Ambry Variant Classification Scheme 2023. Collection method: clinical testing. Allele origin: germline.

Blueprint Genetics
Classification: Likely benign. Last evaluated: 2021-11-30. Review status: criteria provided, single submitter. Criteria: ACMG Guidelines, 2015. Collection method: clinical testing. Allele origin: germline.

Sema4
Classification: Benign for Hereditary cancer-predisposing syndrome. Last evaluated: 2021-01-26. Review status: criteria provided, single submitter. Criteria: Sema4 Curation Guidelines. Collection method: curation. Allele origin: germline.

Breakthrough Genomics
Classification: Likely benign. Review status: criteria provided, single submitter. Criteria: ACMG Guidelines, 2015. Collection method: not provided. Allele origin: germline. Inheritance: Unknown mechanism. Affected: yes.

PreventionGenetics, part of Exact Sciences
Classification: Likely benign for ALK-related condition. Last evaluated: 2022-04-08. Review status: no assertion criteria provided. Collection method: clinical testing. Allele origin: germline. Not counted in ClinVar's aggregate classification.
Comment: This variant is classified as likely benign based on ACMG/AMP sequence variant interpretation guidelines (Richards et al. 2015 PMID: 25741868, with internal and published modifications).